The following is an entry in ClinVar:

ClinVar aggregate classification (germline): Uncertain significance. Review status: criteria provided, multiple submitters, no conflicts (2 of 4 stars). 10 submissions from 10 submitters: Uncertain significance (10). Last evaluated 2026-06-06.

Conditions:
NTHL1-related disorder. Also called: NTHL1-related condition; NTHL1-related conditions.
Familial adenomatous polyposis 3. Also called: NTHL1-Related Adenomatous Polyposis and Colorectal Cancer; NTHL1-associated polyposis; NTHL1-related attenuated familial adenomatous polyposis; NTHL1 Tumor Syndrome. Identifiers: Orphanet 220460, Orphanet 454840, MedGen C4225157, MONDO:0014630, OMIM 616415.
Hereditary cancer-predisposing syndrome. Also called: Tumor predisposition; Hereditary neoplastic syndrome; Hereditary Cancer Syndrome; Neoplastic Syndromes, Hereditary. Identifiers: Orphanet 140162, MedGen C0027672, MeSH D009386, MONDO:0015356.

Allele frequency attached by ClinVar (database versions not stated): ESP Exome Variant Server 0.00008; gnomAD 0.00009; TOPMed 0.00009; gnomAD exomes 0.00011 and 0.00023; ExAC 0.00012.
gnomAD v4.1: 340 of 1,613,868 alleles (0.021%); highest among the groups gnomAD compares: Non-Finnish European, 0.029%; no homozygotes.

Submissions (10):

PreventionGenetics, part of Exact Sciences
Classification: Uncertain significance for NTHL1-related condition. Last evaluated: 2026-06-06. Review status: criteria provided, single submitter. Criteria: ACMG Guidelines, 2015. Collection method: clinical testing. Allele origin: germline.
Comment: The NTHL1 c.770A>G variant is predicted to result in the amino acid substitution p.Lys257Arg. This variant has been reported in cases and controls from a breast cancer cohort study (Tables S2 and S6, Li et al. 2021. PubMed ID: 33980861). It has also been reported as uncertain in an individual with cholestatic liver disease (Table S3, Pinto et al. 2023. PubMed ID: 37353797). This variant is reported in 0.022% of alleles in individuals of European (Non-Finnish) descent in gnomAD and is interpreted as uncertain significance in ClinVar (Variation ID: 659005). At this time, the clinical significance of this variant is uncertain due to the absence of conclusive functional and genetic evidence.

Labcorp Genetics (formerly Invitae), Labcorp
Classification: Uncertain significance. Last evaluated: 2026-02-04. Review status: criteria provided, single submitter. Criteria: Invitae Variant Classification Sherloc (09022015). Collection method: clinical testing. Allele origin: germline.
Comment: This sequence change replaces lysine, which is basic and polar, with arginine, which is basic and polar, at codon 257 of the NTHL1 protein (p.Lys257Arg). This variant is present in population databases (rs373067940, gnomAD 0.02%). This missense change has been observed in individual(s) with breast cancer (PMID: 33980861). ClinVar contains an entry for this variant (Variation ID: 659005). An algorithm developed to predict the effect of missense changes on protein structure and function outputs the following: PolyPhen-2: "Benign". The arginine amino acid residue is found in multiple mammalian species, which suggests that this missense change does not adversely affect protein function. RNA analysis performed to evaluate the impact of this missense change on mRNA splicing indicates it does not significantly alter splicing (internal data). In summary, the available evidence is currently insufficient to determine the role of this variant in disease. Therefore, it has been classified as a Variant of Uncertain Significance.

Center for Genomic Medicine, Rigshospitalet, Copenhagen University Hospital
Classification: Uncertain significance. Last evaluated: 2025-03-04. Review status: criteria provided, single submitter. Criteria: ACMG Guidelines, 2015. Collection method: clinical testing. Allele origin: germline.

Ambry Genetics
Classification: Uncertain significance for Hereditary cancer-predisposing syndrome. Last evaluated: 2024-10-23. Review status: criteria provided, single submitter. Criteria: Ambry Variant Classification Scheme 2023. Collection method: clinical testing. Allele origin: germline.
Comment: The p.K257R variant (also known as c.770A>G), located in coding exon 5 of the NTHL1 gene, results from an A to G substitution at nucleotide position 770. The lysine at codon 257 is replaced by arginine, an amino acid with highly similar properties. This amino acid position is well conserved in available vertebrate species. In addition, this alteration is predicted to be tolerated by in silico analysis. Since supporting evidence is limited at this time, the clinical significance of this alteration remains unclear.

GeneDx
Classification: Uncertain significance. Last evaluated: 2024-07-02. Review status: criteria provided, single submitter. Criteria: GeneDx Variant Classification Process June 2021. Collection method: clinical testing. Allele origin: germline. Affected: yes.
Comment: In silico analysis supports that this missense variant has a deleterious effect on protein structure/function; Observed in individuals with breast cancer and also in unaffected controls (PMID: 33980861); This variant is associated with the following publications: (PMID: 33980861, 37353797)

Baylor Genetics
Classification: Uncertain significance for Familial adenomatous polyposis 3. Last evaluated: 2024-03-17. Review status: criteria provided, single submitter. Criteria: ACMG Guidelines, 2015. Collection method: clinical testing. Allele origin: unknown.

Department of Pathology and Laboratory Medicine, Sinai Health System
Classification: Uncertain significance for Familial adenomatous polyposis 3. Last evaluated: 2023-11-16. Review status: criteria provided, single submitter. Criteria: ACMG Guidelines, 2015. Collection method: clinical testing. Allele origin: germline. Affected: yes.

Quest Diagnostics Nichols Institute San Juan Capistrano
Classification: Uncertain significance. Last evaluated: 2023-08-10. Review status: criteria provided, single submitter. Criteria: Quest Diagnostics criteria. Collection method: clinical testing. Allele origin: unknown.
Comment: In the published literature, this variant has been reported in individuals with breast cancer (PMID: 33980861 (2021)) and cholestatic liver disease (PMID: 37353797 (2023)). The frequency of this variant in the general population, 0.00046 (12/26128 chromosomes (Genome Aggregation Database)), is uninformative in the assessment of its pathogenicity. Analysis of this variant using bioinformatics tools for the prediction of the effect of amino acid changes on protein structure and function yielded predictions that this variant is benign. Based on the available information, we are unable to determine the clinical significance of this variant.

St. Jude Molecular Pathology, St. Jude Children's Research Hospital
Classification: Uncertain significance for Familial adenomatous polyposis 3. Last evaluated: 2023-01-19. Review status: criteria provided, single submitter. Criteria: St. Jude Assertion Criteria 2020. Collection method: clinical testing. Allele origin: germline.
Comment: The NTHL1 c.746A>G (p.Lys249Arg) missense change has a maximum subpopulation frequency of 0.022% in gnomAD v2.1.1. The in silico tool REVEL predicts a benign effect of this variant on protein function, but to our knowledge functional studies have not been performed. To our knowledge, this variant has not been reported in individuals with NTHL1-associated polyposis. In summary, the evidence currently available is insufficient to determine the clinical significance of this variant. It has therefore been classified as of uncertain significance.

Sema4
Classification: Uncertain significance for Hereditary cancer-predisposing syndrome. Last evaluated: 2021-09-01. Review status: criteria provided, single submitter. Criteria: Sema4 Curation Guidelines. Collection method: curation. Allele origin: germline.
Comment: The NTHL1 c.770A>G (p.K257R) variant has not been reported in the literature to our knowledge. It was observed in 29/129038 chromosomes of the Non-Finnish European subpopulation in the large and broad cohorts of the Genome Aggregation Database (PMID: 32461654). The variant has been reported in ClinVar (Variation ID 659005). Functional studies have not been performed, and in silico predictions of the variant's effect on protein function are inconclusive. The evidence is insufficient to meet ACMG/AMP criteria for classifying the variant as benign or pathogenic. Thus, the clinical significance of this variant is currently uncertain.

Literature cited by the submitters: PubMed 33980861 (cited by 3 submitters); PubMed 37353797 (cited by Quest Diagnostics Nichols Institute San Juan Capistrano).

NM_002528.7(NTHL1):c.746A>G (p.Lys249Arg)

Gene: NTHL1 (nth like DNA glycosylase 1; minus strand). Cytogenetic location: 16p13.3.
Variant type: single nucleotide variant.
Coding change: c.746A>G on transcript NM_002528.7 (MANE Select); coding-DNA position 746, A replaced by G.
Protein change: p.Lys249Arg; replaces lysine 249 with arginine.
Molecular consequence: missense variant.
Genome position (GRCh38, 1-based): chr16:2,040,178, T>C on the plus strand (A>G on the coding strand, the complement: NTHL1 is on the minus strand). VCF-style: chr16-2040178-T-C. GRCh37 (hg19) VCF-style: chr16-2090179-T-C.
Other names: c.746A>G, p.Lys249Arg (LRG_1366t1); c.575A>G, p.Lys192Arg (NM_001318193.2); c.416A>G, p.Lys139Arg (NM_001318194.2); short protein forms K192R, K139R, K249R.
Identifiers: ClinVar variation 659005 (VCV000659005.34), dbSNP rs373067940, ClinGen allele CA7828130.
Genomic context (GRCh38, chr16:2,040,178, plus strand): 5'-CCCACATACTCATACCTAGGCAGCCACTCCTCCAGGGCGGCGCGGGTCTCCTCTGGGGAC[T>C]TGGTTGCCTTCTTGGTCCACCTCAGCCTGTTGGCGATTCTGTGCACATGCGTGTCCACTG-3'
Protein context (NP_002519.2, residues 239-259): NRLRWTKKAT[Lys249Arg]SPEETRAALE